The following is an entry in ClinVar:

ClinVar aggregate classification (germline): Pathogenic (1 of 4 stars; one submission).

Submission:

GeneDx
Classification: Pathogenic. Last evaluated: 2024-03-15. Review status: criteria provided, single submitter. Criteria: GeneDx Variant Classification Process June 2021. Collection method: clinical testing. Allele origin: germline. Affected: yes.
Comment: Not observed at significant frequency in large population cohorts (gnomAD); In silico analysis supports that this missense variant has a deleterious effect on protein structure/function; This variant is associated with the following publications: (PMID: 34263451)

NM_001127222.2(CACNA1A):c.3965G>A (p.Gly1322Glu)

Genes: CACNA1A (calcium voltage-gated channel subunit alpha1 A; minus strand), LOC126862865 (CDK7 strongly-dependent group 2 enhancer GRCh37_chr19:13385818-13387017; plus strand). Cytogenetic location: 19p13.13.
Variant type: single nucleotide variant.
Coding change: c.3965G>A on transcript NM_001127222.2 (MANE Select); coding-DNA position 3965, G replaced by A.
Protein change: p.Gly1322Glu; replaces glycine 1322 with glutamic acid.
Molecular consequence: missense variant.
Genome position (GRCh38, 1-based): chr19:13,275,874, C>T on the plus strand (G>A on the coding strand, the complement: CACNA1A is on the minus strand). VCF-style: chr19-13275874-C-T. GRCh37 (hg19) VCF-style: chr19-13386688-C-T.
Other names: c.3977G>A, p.Gly1326Glu (NM_000068.4, NM_023035.3); c.3968G>A, p.Gly1323Glu (NM_001127221.2, NM_001174080.2); short protein forms G1322E, G1323E, G1326E.
Identifiers: ClinVar variation 3342375 (VCV003342375.1).